The following is an entry in ClinVar:

ClinVar aggregate classification (germline): Pathogenic (1 of 4 stars; one submission).

Conditions:
Hereditary antithrombin deficiency (AT3D). Also called: Antithrombin III deficiency; Thrombophilia due to antithrombin III deficiency; Reduced antithrombin III activity; Antithrombin deficiency. Identifiers: Orphanet 82, MedGen C0272375, MONDO:0013144, OMIM 613118, HP:0001976.

Submission:

Labcorp Genetics (formerly Invitae), Labcorp
Classification: Pathogenic for Hereditary antithrombin deficiency. Last evaluated: 2015-07-02. Review status: criteria provided, single submitter. Criteria: Invitae Variant Classification Sherloc (09022015). Collection method: clinical testing. Allele origin: germline.
Comment: For these reasons, this variant has been classified as Pathogenic. While this particular variant has not been reported in the literature, truncating variants in SERPINC1 are known to be pathogenic (PMID: 21264449). This sequence change deletes 1 nucleotide from exon 5 of the SERPINC1 mRNA (c.1060delC), causing a frameshift at codon 354. This creates a premature translational stop signal (p.Arg354Alafs*10) and is expected to result in an absent or disrupted protein product.

Literature cited by the submitters: PubMed 21264449.

NM_000488.4(SERPINC1):c.1060del (p.Arg354fs)

Gene: SERPINC1 (serpin family C member 1; minus strand). Cytogenetic location: 1q25.1.
Variant type: Deletion.
Coding change: c.1060del on transcript NM_000488.4 (MANE Select); coding-DNA position 1060, one base deleted (C; older notation c.1060delC).
Protein change: p.Arg354fs; shifts the reading frame from arginine 354.
Molecular consequence: frameshift variant.
Genome position (GRCh38, 1-based): chr1:173,909,645, G deleted on the plus strand (C on the coding strand, the reverse complement: SERPINC1 is on the minus strand); the first of 4 consecutive G bases (chr1:173,909,645-173,909,648); deleting any one gives the same sequence. VCF-style (leftmost placement, unchanged base first): chr1-173909644-CG-C. GRCh37 (hg19) VCF-style: chr1-173878782-CG-C.
Other names: c.916del, p.Arg306fs (NM_001365052.2); c.1183del, p.Arg395fs (NM_001386302.1); c.1141del, p.Arg381fs (NM_001386303.1); c.1039del, p.Arg347fs (NM_001386304.1); c.1003del, p.Arg335fs (NM_001386305.1); c.844del, p.Arg282fs (NM_001386306.1); c.1060delC (NM_000488.3); short protein forms R354fs, R306fs, R282fs, R335fs, R347fs, R381fs, R395fs.
Identifiers: ClinVar variation 216071 (VCV000216071.5), dbSNP rs863224495, ClinGen allele CA337494.